The following is an entry in ClinVar:

ClinVar aggregate classification (germline): Uncertain significance. Review status: criteria provided, multiple submitters, no conflicts (2 of 4 stars). 2 submissions from 2 submitters: Uncertain significance (2). Last evaluated 2024-06-18.

Conditions:
Severe neurodegenerative syndrome with lipodystrophy. Also called: ENCEPHALOPATHY, PROGRESSIVE, WITH LIPODYSTROPHY; Encephalopathy, progressive, with or without lipodystrophy. Identifiers: Orphanet 363400, MedGen C4014700, MONDO:0014402, OMIM 615924.
Congenital generalized lipodystrophy type 2 (CGL2). Also called: BERARDINELLI SYNDROME; BRUNZELL SYNDROME, BSCL2-RELATED; SEIP SYNDROME; Berardinelli-Seip Congenital Lipodystrophy Type 2. Identifiers: Orphanet 528, Orphanet 696289, MedGen C1720863, MONDO:0010020, OMIM 269700.
Neuronopathy, distal hereditary motor, type 5C. Also called: DHMN VC; NEURONOPATHY, DISTAL HEREDITARY MOTOR, AUTOSOMAL DOMINANT 13; NEURONOPATHY, DISTAL HEREDITARY MOTOR, HARDING TYPE VC; NEUROPATHY, DISTAL HEREDITARY MOTOR, HARDING TYPE VC; SPINAL MUSCULAR ATROPHY, DISTAL, HARDING TYPE VC. Identifiers: MedGen C5436838, MONDO:0030860, OMIM 619112.
Hereditary spastic paraplegia 17. Also called: Silver spastic paraplegia syndrome; Spastic Paraplegia 17; Autosomal dominant spastic paraplegia type 17; Silver Syndrome; SPASTIC PARAPLEGIA WITH AMYOTROPHY OF HANDS AND FEET. Identifiers: Orphanet 100998, MedGen C2931276, MONDO:0010043, OMIM 270685.
Charcot-Marie-Tooth disease type 2. Also called: Charcot-Marie-Tooth type 2. Identifiers: Orphanet 64746, MedGen C0270914, MONDO:0018993.

Allele frequency attached by ClinVar (database versions not stated): ESP Exome Variant Server 0.00008.
gnomAD v4.1: 10 of 1,613,990 alleles (0.00062%); highest among the groups gnomAD compares: African/African-American, 0.004%; no homozygotes.

Submissions (2):

Fulgent Genetics
Classification: Uncertain significance for Congenital generalized lipodystrophy type 2; Hereditary spastic paraplegia 17; Severe neurodegenerative syndrome with lipodystrophy; Neuronopathy, distal hereditary motor, type 5C. Last evaluated: 2024-06-18. Review status: criteria provided, single submitter. Criteria: ACMG Guidelines, 2015. Collection method: clinical testing. Allele origin: germline.

Labcorp Genetics (formerly Invitae), Labcorp
Classification: Uncertain significance for Charcot-Marie-Tooth disease type 2. Last evaluated: 2024-03-30. Review status: criteria provided, single submitter. Criteria: Invitae Variant Classification Sherloc (09022015). Collection method: clinical testing. Allele origin: germline.
Comment: This sequence change replaces arginine, which is basic and polar, with histidine, which is basic and polar, at codon 215 of the BSCL2 protein (p.Arg215His). This variant is present in population databases (rs142608646, gnomAD 0.01%). This variant has not been reported in the literature in individuals affected with BSCL2-related conditions. Advanced modeling of protein sequence and biophysical properties (such as structural, functional, and spatial information, amino acid conservation, physicochemical variation, residue mobility, and thermodynamic stability) performed at Invitae indicates that this missense variant is not expected to disrupt BSCL2 protein function with a negative predictive value of 80%. In summary, the available evidence is currently insufficient to determine the role of this variant in disease. Therefore, it has been classified as a Variant of Uncertain Significance.

NM_001122955.4(BSCL2):c.836G>A (p.Arg279His)

Genes: HNRNPUL2-BSCL2 (HNRNPUL2-BSCL2 readthrough (NMD candidate); minus strand), BSCL2 (BSCL2 lipid droplet biogenesis associated, seipin; minus strand). Cytogenetic location: 11q12.3.
Variant type: single nucleotide variant.
Coding change: c.836G>A on transcript NM_001122955.4 (MANE Select); coding-DNA position 836, G replaced by A.
Protein change: p.Arg279His; replaces arginine 279 with histidine.
Molecular consequence: missense variant. On other transcripts: non-coding transcript variant (1).
Genome position (GRCh38, 1-based): chr11:62,692,403, C>T on the plus strand (G>A on the coding strand, the complement: BSCL2 is on the minus strand). VCF-style: chr11-62692403-C-T. GRCh37 (hg19) VCF-style: chr11-62459875-C-T.
Other names: c.644G>A, p.Arg215His (NM_001130702.2, NM_032667.6); c.836G>A, p.Arg279His (NM_001386027.1, NM_001386028.1); short protein forms R215H, R279H.
Identifiers: ClinVar variation 2957028 (VCV002957028.4), dbSNP rs142608646, ClinGen allele CA6053440.